The following is an entry in ClinVar:

ClinVar aggregate classification (germline): Uncertain significance (1 of 4 stars; one submission).

Conditions:
CEP295-related condition.

Submission:

PreventionGenetics, part of Exact Sciences
Classification: Uncertain significance for CEP295-related condition. Last evaluated: 2026-09-11. Review status: criteria provided, single submitter. Criteria: ACMG Guidelines, 2015. Collection method: clinical testing. Allele origin: germline.
Comment: The CEP295 c.3736G>C variant is predicted to result in the amino acid substitution p.Val1246Leu. To our knowledge, this variant has not been reported in the literature or in a large population database (gnomAD), indicating this variant is rare. At this time, the clinical significance of this variant is uncertain due to the absence of conclusive functional and genetic evidence.

NM_033395.2(CEP295):c.3736G>C (p.Val1246Leu)

Gene: CEP295 (centrosomal protein 295; plus strand). Cytogenetic location: 11q21.
Variant type: single nucleotide variant.
Coding change: c.3736G>C on transcript NM_033395.2 (MANE Select); coding-DNA position 3736, G replaced by C.
Protein change: p.Val1246Leu; replaces valine 1246 with leucine.
Molecular consequence: missense variant.
Genome position (GRCh38, 1-based): chr11:93,698,648, G>C. VCF-style: chr11-93698648-G-C. GRCh37 (hg19) VCF-style: chr11-93431814-G-C.
Other names: short protein forms V1246L.
Identifiers: ClinVar variation 4982187 (VCV004982187.1).